The following is an entry in ClinVar:

NM_198253.3(TERT):c.154G>A (p.Ala52Thr)

Genes: TERT (telomerase reverse transcriptase; minus strand), LOC110806263 (TERT 5' regulatory region; plus strand). Cytogenetic location: 5p15.33.
Variant type: single nucleotide variant.
Coding change: c.154G>A on transcript NM_198253.3 (MANE Select); coding-DNA position 154, G replaced by A.
Protein change: p.Ala52Thr; replaces alanine 52 with threonine.
Molecular consequence: missense variant. On other transcripts: non-coding transcript variant (2).
Genome position (GRCh38, 1-based): chr5:1,294,836, C>T on the plus strand (G>A on the coding strand, the complement: TERT is on the minus strand). VCF-style: chr5-1294836-C-T. GRCh37 (hg19) VCF-style: chr5-1294951-C-T.
Other names: c.154G>A, p.Ala52Thr (NM_001193376.3); short protein forms A52T.
Identifiers: ClinVar variation 1401562 (VCV001401562.8), dbSNP rs1751290167, ClinGen allele CA359059028.

ClinVar aggregate classification (germline): Uncertain significance (1 of 4 stars; one submission).

Conditions:
Dyskeratosis congenita, autosomal dominant 2. Identifiers: MedGen C3151443, MONDO:0013521, OMIM 613989.
Idiopathic Pulmonary Fibrosis. Also called: Idiopathic fibrosing alveolitis, chronic form; idiopathic fibrosing alveolitis. Identifiers: Orphanet 2032, MedGen C1800706, MeSH D054990, MONDO:0800504.

Submission:

Labcorp Genetics (formerly Invitae), Labcorp
Classification: Uncertain significance for Dyskeratosis congenita, autosomal dominant 2; Idiopathic Pulmonary Fibrosis. Last evaluated: 2021-06-17. Review status: criteria provided, single submitter. Criteria: Invitae Variant Classification Sherloc (09022015). Collection method: clinical testing. Allele origin: germline.
Comment: In summary, the available evidence is currently insufficient to determine the role of this variant in disease. Therefore, it has been classified as a Variant of Uncertain Significance. Advanced modeling of protein sequence and biophysical properties (such as structural, functional, and spatial information, amino acid conservation, physicochemical variation, residue mobility, and thermodynamic stability) performed at Invitae indicates that this missense variant is not expected to disrupt TERT protein function. This variant has not been reported in the literature in individuals with TERT-related conditions. The frequency data for this variant in the population databases is considered unreliable, as metrics indicate insufficient coverage at this position in the ExAC database. This sequence change replaces alanine with threonine at codon 52 of the TERT protein (p.Ala52Thr). The alanine residue is moderately conserved and there is a small physicochemical difference between alanine and threonine.